The following is an entry in ClinVar:

ClinVar aggregate classification (germline): Uncertain significance. Review status: criteria provided, multiple submitters, no conflicts (2 of 4 stars). 3 submissions from 3 submitters: Uncertain significance (3). Last evaluated 2025-06-30.

Conditions:
Tuberous sclerosis 1 (TSC1). Identifiers: Orphanet 805, MedGen C1854465, MONDO:0008612, OMIM 191100.
Tuberous sclerosis syndrome (TSC). Also called: Tuberous Sclerosis Complex; Tuberous sclerosis. Identifiers: Orphanet 805, MedGen C0041341, MONDO:0001734.
Hereditary cancer-predisposing syndrome. Also called: Hereditary neoplastic syndrome; Tumor predisposition; Hereditary Cancer Syndrome; Neoplastic Syndromes, Hereditary. Identifiers: Orphanet 140162, MedGen C0027672, MeSH D009386, MONDO:0015356.

Allele frequency attached by ClinVar (database versions not stated): gnomAD exomes below 0.00001; TOPMed below 0.00001.
gnomAD v4.1: 1 of 1,614,192 alleles (0.000062%); highest among the groups gnomAD compares: Non-Finnish European, 0.000085%; no homozygotes.

Submissions (3):

Color Diagnostics, LLC DBA Color Health
Classification: Uncertain significance for Tuberous sclerosis syndrome. Last evaluated: 2025-06-30. Review status: criteria provided, single submitter. Criteria: ACMG Guidelines, 2015. Collection method: clinical testing. Allele origin: germline.
Comment: This missense variant replaces lysine with threonine at codon 919 of the TSC1 protein. Computational prediction is inconclusive regarding the impact of this variant on protein structure and function. To our knowledge, functional studies have not been reported for this variant. This variant has not been reported in individuals affected with TSC1-related disorders in the literature. This variant has not been identified in the general population by the Genome Aggregation Database (gnomAD). The available evidence is insufficient to determine the role of this variant in disease conclusively. Therefore, this variant is classified as a Variant of Uncertain Significance.

Ambry Genetics
Classification: Uncertain significance for Hereditary cancer-predisposing syndrome. Last evaluated: 2023-10-20. Review status: criteria provided, single submitter. Criteria: Ambry Variant Classification Scheme 2023. Collection method: clinical testing. Allele origin: germline.
Comment: The p.K919T variant (also known as c.2756A>C), located in coding exon 19 of the TSC1 gene, results from an A to C substitution at nucleotide position 2756. The lysine at codon 919 is replaced by threonine, an amino acid with similar properties. This amino acid position is conserved. In addition, the in silico prediction for this alteration is inconclusive. Since supporting evidence is limited at this time, the clinical significance of this alteration remains unclear.

Labcorp Genetics (formerly Invitae), Labcorp
Classification: Uncertain significance for Tuberous sclerosis 1. Last evaluated: 2023-07-25. Review status: criteria provided, single submitter. Criteria: Invitae Variant Classification Sherloc (09022015). Collection method: clinical testing. Allele origin: germline.
Comment: This sequence change replaces lysine, which is basic and polar, with threonine, which is neutral and polar, at codon 919 of the TSC1 protein (p.Lys919Thr). This variant is not present in population databases (gnomAD no frequency). This variant has not been reported in the literature in individuals affected with TSC1-related conditions. ClinVar contains an entry for this variant (Variation ID: 576989). Advanced modeling of protein sequence and biophysical properties (such as structural, functional, and spatial information, amino acid conservation, physicochemical variation, residue mobility, and thermodynamic stability) performed at Invitae indicates that this missense variant is not expected to disrupt TSC1 protein function. In summary, the available evidence is currently insufficient to determine the role of this variant in disease. Therefore, it has been classified as a Variant of Uncertain Significance.

NM_000368.5(TSC1):c.2756A>C (p.Lys919Thr)

Gene: TSC1 (TSC complex subunit 1; minus strand). Cytogenetic location: 9q34.13.
Variant type: single nucleotide variant.
Coding change: c.2756A>C on transcript NM_000368.5 (MANE Select); coding-DNA position 2756, A replaced by C.
Protein change: p.Lys919Thr; replaces lysine 919 with threonine.
Molecular consequence: missense variant.
Genome position (GRCh38, 1-based): chr9:132,897,480, T>G on the plus strand (A>C on the coding strand, the complement: TSC1 is on the minus strand). VCF-style: chr9-132897480-T-G. GRCh37 (hg19) VCF-style: chr9-135772867-T-G.
Other names: c.2753A>C, p.Lys918Thr (NM_001162426.2); c.2603A>C, p.Lys868Thr (NM_001162427.2); c.2393A>C, p.Lys798Thr (NM_001362177.2); short protein forms K919T, K798T, K918T, K868T.
Identifiers: ClinVar variation 576989 (VCV000576989.9), dbSNP rs1324456435, ClinGen allele CA375369222.